The following is an entry in ClinVar:

ClinVar aggregate classification (germline): Uncertain significance (1 of 4 stars; one submission).

Conditions:
Inborn genetic diseases. Identifiers: MedGen C0950123, MeSH D030342.

Submission:

Ambry Genetics
Classification: Uncertain significance for Inborn genetic diseases. Last evaluated: 2024-02-26. Review status: criteria provided, single submitter. Criteria: Ambry Variant Classification Scheme 2023. Collection method: clinical testing. Allele origin: germline.
Comment: The p.T2246S variant (also known as c.6737C>G), located in coding exon 45 of the LRRK2 gene, results from a C to G substitution at nucleotide position 6737. The threonine at codon 2246 is replaced by serine, an amino acid with similar properties. This amino acid position is conserved. In addition, this alteration is predicted to be tolerated by in silico analysis. Based on the available evidence, the clinical significance of this alteration remains unclear.

NM_198578.4(LRRK2):c.6737C>G (p.Thr2246Ser)

Gene: LRRK2 (leucine rich repeat kinase 2; plus strand). Cytogenetic location: 12q12.
Variant type: single nucleotide variant.
Coding change: c.6737C>G on transcript NM_198578.4 (MANE Select); coding-DNA position 6737, C replaced by G.
Protein change: p.Thr2246Ser; replaces threonine 2246 with serine.
Molecular consequence: missense variant.
Genome position (GRCh38, 1-based): chr12:40,354,459, C>G. VCF-style: chr12-40354459-C-G. GRCh37 (hg19) VCF-style: chr12-40748261-C-G.
Other names: short protein forms T2246S.
Identifiers: ClinVar variation 3229753 (VCV003229753.1), dbSNP rs2499993912, ClinGen allele CA384409533.